The following is an entry in ClinVar:

ClinVar aggregate classification (germline): Benign/Likely benign. Review status: criteria provided, multiple submitters, no conflicts (2 of 4 stars). 4 submissions from 4 submitters: Benign (1); Likely benign (3). Last evaluated 2026-05-15.

Conditions:
Cardiovascular phenotype. Identifiers: MedGen CN230736.
Hereditary cancer-predisposing syndrome. Also called: Neoplastic Syndromes, Hereditary; Tumor predisposition; Hereditary Cancer Syndrome; Hereditary neoplastic syndrome. Identifiers: Orphanet 140162, MedGen C0027672, MeSH D009386, MONDO:0015356.
Neurofibromatosis, type 1 (NF1). Also called: Peripheral type neurofibromatosis; NEUROFIBROMATOSIS, TYPE I, SOMATIC; VON RECKLINGHAUSEN DISEASE; Neurofibromatosis, type I. Identifiers: Orphanet 636, MedGen C0027831, MONDO:0018975, OMIM 162200. Disease mechanism: loss of function.

Allele frequency attached by ClinVar (database versions not stated): gnomAD exomes below 0.00001.
gnomAD v4.1: 6 of 1,613,712 alleles (0.00037%); highest among the groups gnomAD compares: Admixed American, 0.0017%; no homozygotes.

Submissions (4):

Myriad Genetics, Inc.
Classification: Benign for Neurofibromatosis, type 1. Last evaluated: 2026-05-15. Review status: criteria provided, single submitter. Criteria: Myriad Autosomal Dominant, Autosomal Recessive and X-Linked Classification Criteria (2023). Collection method: clinical testing. Allele origin: unknown.
Comment: This variant is considered benign. This variant is a silent/synonymous amino acid change and it is not expected to impact splicing.

Labcorp Genetics (formerly Invitae), Labcorp
Classification: Likely benign for Neurofibromatosis, type 1. Last evaluated: 2026-01-21. Review status: criteria provided, single submitter. Criteria: Invitae Variant Classification Sherloc (09022015). Collection method: clinical testing. Allele origin: germline.

Mayo Clinic Laboratories, Mayo Clinic
Classification: Likely benign. Last evaluated: 2025-10-18. Review status: criteria provided, single submitter. Criteria: ACMG Guidelines, 2015. Collection method: clinical testing. Allele origin: germline. Observed: 1 variant allele.
Comment: BP4, BP7, PM2_supporting

Ambry Genetics
Classification: Likely benign for Cardiovascular phenotype; Hereditary cancer-predisposing syndrome. Last evaluated: 2020-08-12. Review status: criteria provided, single submitter. Criteria: Ambry Variant Classification Scheme 2023. Collection method: clinical testing. Allele origin: germline.

NM_001042492.3(NF1):c.1267T>C (p.Leu423=)

Gene: NF1 (neurofibromin 1; plus strand). Cytogenetic location: 17q11.2.
Variant type: single nucleotide variant.
Coding change: c.1267T>C on transcript NM_001042492.3 (MANE Select); coding-DNA position 1267, T replaced by C.
Protein change: p.Leu423=; no amino-acid change (leucine 423 retained).
Molecular consequence: synonymous variant.
Genome position (GRCh38, 1-based): chr17:31,206,246, T>C. VCF-style: chr17-31206246-T-C. GRCh37 (hg19) VCF-style: chr17-29533264-T-C.
Other names: p.Leu423=; c.1267T>C, p.Leu423= (NM_000267.4, NM_001128147.3).
Identifiers: ClinVar variation 1089047 (VCV001089047.11), dbSNP rs773108080, ClinGen allele CA8485744.